The following is an entry in ClinVar:

ClinVar aggregate classification (germline): Uncertain significance (1 of 4 stars; one submission).

Conditions:
Episodic ataxia type 1 (EA1). Also called: MYOKYMIA WITH PERIODIC ATAXIA; PAROXYSMAL ATAXIA WITH NEUROMYOTONIA, HEREDITARY; Episodic ataxia/myokymia syndrome; ATAXIA, EPISODIC, WITH MYOKYMIA. Identifiers: Orphanet 37612, Orphanet 972, MedGen C1719788, MONDO:0008047, OMIM 160120.

gnomAD v4.1: 1 of 1,612,640 alleles (0.000062%); highest among the groups gnomAD compares: Non-Finnish European, 0.000085%; no homozygotes.

Submission:

Labcorp Genetics (formerly Invitae), Labcorp
Classification: Uncertain significance for Episodic ataxia type 1. Last evaluated: 2025-02-02. Review status: criteria provided, single submitter. Criteria: Invitae Variant Classification Sherloc (09022015). Collection method: clinical testing. Allele origin: germline.
Comment: This sequence change replaces isoleucine, which is neutral and non-polar, with threonine, which is neutral and polar, at codon 273 of the KCNA1 protein (p.Ile273Thr). This variant is not present in population databases (gnomAD no frequency). This variant has not been reported in the literature in individuals affected with KCNA1-related conditions. Invitae Evidence Modeling of protein sequence and biophysical properties (such as structural, functional, and spatial information, amino acid conservation, physicochemical variation, residue mobility, and thermodynamic stability) indicates that this missense variant is not expected to disrupt KCNA1 protein function with a negative predictive value of 80%. In summary, the available evidence is currently insufficient to determine the role of this variant in disease. Therefore, it has been classified as a Variant of Uncertain Significance.

NM_000217.3(KCNA1):c.818T>C (p.Ile273Thr)

Gene: KCNA1 (potassium voltage-gated channel subfamily A member 1; plus strand). Cytogenetic location: 12p13.32.
Variant type: single nucleotide variant.
Coding change: c.818T>C on transcript NM_000217.3 (MANE Select); coding-DNA position 818, T replaced by C.
Protein change: p.Ile273Thr; replaces isoleucine 273 with threonine.
Molecular consequence: missense variant.
Genome position (GRCh38, 1-based): chr12:4,912,196, T>C. VCF-style: chr12-4912196-T-C. GRCh37 (hg19) VCF-style: chr12-5021362-T-C.
Other names: short protein forms I273T.
Identifiers: ClinVar variation 3721119 (VCV003721119.2).